The following is an entry in ClinVar:

ClinVar aggregate classification (germline): Likely benign. Review status: criteria provided, multiple submitters, no conflicts (2 of 4 stars). 2 submissions from 2 submitters: Likely benign (2). Last evaluated 2025-11-24.

Conditions:
Inborn genetic diseases. Identifiers: MedGen C0950123, MeSH D030342.

Submissions (2):

Women's Health and Genetics/Laboratory Corporation of America, LabCorp
Classification: Likely benign. Last evaluated: 2025-11-24. Review status: criteria provided, single submitter. Criteria: LabCorp Variant Classification Summary - May 2015. Collection method: clinical testing. Allele origin: germline.
Comment: Variant summary: SAMD9L c.3972G>A results in a synonymous change. Consensus agreement among computation tools predict no significant impact on normal splicing. However, these predictions have yet to be confirmed by functional studies. The variant was absent in 249056 control chromosomes. The available data on variant occurrences in the general population are insufficient to allow any conclusion about variant significance. To our knowledge, no occurrence of c.3972G>A in individuals affected with SAMD9L-related conditions and no experimental evidence demonstrating its impact on protein function have been reported. ClinVar contains an entry for this variant (Variation ID: 3949954). Based on the evidence outlined above, the variant was classified as likely benign.

Ambry Genetics
Classification: Likely benign for Inborn genetic diseases. Last evaluated: 2025-05-24. Review status: criteria provided, single submitter. Criteria: Ambry Variant Classification Scheme 2023. Collection method: clinical testing. Allele origin: germline.

NM_152703.5(SAMD9L):c.3972G>A (p.Gln1324=)

Gene: SAMD9L (sterile alpha motif domain containing 9 like; minus strand). Cytogenetic location: 7q21.2.
Variant type: single nucleotide variant.
Coding change: c.3972G>A on transcript NM_152703.5 (MANE Select); coding-DNA position 3972, G replaced by A.
Protein change: p.Gln1324=; no amino-acid change (glutamine 1324 retained).
Molecular consequence: synonymous variant.
Genome position (GRCh38, 1-based): chr7:93,132,000, C>T on the plus strand (G>A on the coding strand, the complement: SAMD9L is on the minus strand). VCF-style: chr7-93132000-C-T. GRCh37 (hg19) VCF-style: chr7-92761313-C-T.
Other names: c.3972G>A, p.Gln1324= (NM_001350085.2, NM_001303496.3, NM_001303497.3 and 5 more transcripts).
Identifiers: ClinVar variation 3949954 (VCV003949954.2).